The following is an entry in ClinVar:

NM_005219.5(DIAPH1):c.2180C>T (p.Pro727Leu)

Gene: DIAPH1 (diaphanous related formin 1; minus strand). Cytogenetic location: 5q31.3.
Variant type: single nucleotide variant.
Coding change: c.2180C>T on transcript NM_005219.5 (MANE Select); coding-DNA position 2180, C replaced by T.
Protein change: p.Pro727Leu; replaces proline 727 with leucine.
Molecular consequence: missense variant.
Genome position (GRCh38, 1-based): chr5:141,573,670, G>A on the plus strand (C>T on the coding strand, the complement: DIAPH1 is on the minus strand). VCF-style: chr5-141573670-G-A. GRCh37 (hg19) VCF-style: chr5-140953237-G-A.
Other names: c.2153C>T, p.Pro718Leu (NM_001079812.3); c.2180C>T, p.Pro727Leu (NM_001314007.2); short protein forms P718L, P727L.
Identifiers: ClinVar variation 3756624 (VCV003756624.2).

ClinVar aggregate classification (germline): Uncertain significance (1 of 4 stars; one submission).

Conditions:
Autosomal dominant nonsyndromic hearing loss 1. Also called: KONIGSMARK SYNDROME; DEAFNESS, AUTOSOMAL DOMINANT 1, WITH OR WITHOUT THROMBOCYTOPENIA. Identifiers: Orphanet 90635, MedGen C1852282, MONDO:0007424, OMIM 124900.
Progressive microcephaly-seizures-cortical blindness-developmental delay syndrome. Also called: Seizures, cortical blindness, and microcephaly syndrome. Identifiers: Orphanet 477814, MedGen C5567650, MONDO:0014714, OMIM 616632.

gnomAD v4.1: 10 of 1,611,034 alleles (0.00062%); highest among the groups gnomAD compares: Non-Finnish European, 0.00085%; no homozygotes.

Submission:

Labcorp Genetics (formerly Invitae), Labcorp
Classification: Uncertain significance for Progressive microcephaly-seizures-cortical blindness-developmental delay syndrome; Autosomal dominant nonsyndromic hearing loss 1. Last evaluated: 2024-07-08. Review status: criteria provided, single submitter. Criteria: Invitae Variant Classification Sherloc (09022015). Collection method: clinical testing. Allele origin: germline.
Comment: This sequence change replaces proline, which is neutral and non-polar, with leucine, which is neutral and non-polar, at codon 727 of the DIAPH1 protein (p.Pro727Leu). This variant is present in population databases (no rsID available, gnomAD 0.0009%). This variant has not been reported in the literature in individuals affected with DIAPH1-related conditions. Experimental studies and prediction algorithms are not available or were not evaluated, and the functional significance of this variant is currently unknown. In summary, the available evidence is currently insufficient to determine the role of this variant in disease. Therefore, it has been classified as a Variant of Uncertain Significance.